The following is an entry in ClinVar:

ClinVar aggregate classification (germline): Likely benign. Review status: criteria provided, multiple submitters, no conflicts (2 of 4 stars). 2 submissions from 2 submitters: Likely benign (2). Last evaluated 2025-03-05.

Conditions:
Charcot-Marie-Tooth disease dominant intermediate C (CMTDIC). Also called: CHARCOT-MARIE-TOOTH NEUROPATHY, DOMINANT INTERMEDIATE C. Identifiers: Orphanet 100045, MedGen C1842237, MONDO:0012012, OMIM 608323.

Allele frequency attached by ClinVar (database versions not stated): gnomAD exomes below 0.00001 and 0.00001; TOPMed below 0.00001; ExAC 0.00001; gnomAD 0.00001.
gnomAD v4.1: 21 of 1,613,550 alleles (0.0013%); highest among the groups gnomAD compares: Non-Finnish European, 0.0017%; no homozygotes.

Submissions (2):

Labcorp Genetics (formerly Invitae), Labcorp
Classification: Likely benign for Charcot-Marie-Tooth disease dominant intermediate C. Last evaluated: 2025-03-05. Review status: criteria provided, single submitter. Criteria: Invitae Variant Classification Sherloc (09022015). Collection method: clinical testing. Allele origin: germline.

GeneDx
Classification: Likely benign. Last evaluated: 2017-12-19. Review status: criteria provided, single submitter. Criteria: GeneDx Variant Classification (06012015). Collection method: clinical testing. Allele origin: germline. Affected: yes.
Comment: This variant is considered likely benign or benign based on one or more of the following criteria: it is a conservative change, it occurs at a poorly conserved position in the protein, it is predicted to be benign by multiple in silico algorithms, and/or has population frequency not consistent with disease.

NM_003680.4(YARS1):c.591+9C>T

Gene: YARS1 (tyrosyl-tRNA synthetase 1; minus strand). Cytogenetic location: 1p35.1.
Variant type: single nucleotide variant.
Coding change: c.591+9C>T on transcript NM_003680.4 (MANE Select); 9 bases into the intron after coding-DNA position 591, C replaced by T.
Molecular consequence: intron variant.
Genome position (GRCh38, 1-based): chr1:32,797,754, G>A on the plus strand (C>T on the coding strand, the complement: YARS1 is on the minus strand). VCF-style: chr1-32797754-G-A. GRCh37 (hg19) VCF-style: chr1-33263355-G-A.
Identifiers: ClinVar variation 514248 (VCV000514248.5), dbSNP rs776230316, ClinGen allele CA745164.